The following is an entry in ClinVar:

ClinVar aggregate classification (germline): Uncertain significance (1 of 4 stars; one submission).

Conditions:
Autosomal dominant centronuclear myopathy. Also called: MYOTUBULAR MYOPATHY, AUTOSOMAL DOMINANT; Myopathy, centronuclear, 3. Identifiers: Orphanet 169189, MedGen C4551952, MeSH D020914, MONDO:0008048, OMIM 160150.

Allele frequency attached by ClinVar (database versions not stated): gnomAD 0.00001; gnomAD exomes 0.00001 and 0.00002; TOPMed 0.00002.
gnomAD v4.1: 15 of 1,613,710 alleles (0.00093%); highest among the groups gnomAD compares: Non-Finnish European, 0.0013%; no homozygotes.

Submission:

Labcorp Genetics (formerly Invitae), Labcorp
Classification: Uncertain significance for Autosomal dominant centronuclear myopathy. Last evaluated: 2020-02-27. Review status: criteria provided, single submitter. Criteria: Invitae Variant Classification Sherloc (09022015). Collection method: clinical testing. Allele origin: germline.
Comment: This variant is not present in population databases (ExAC no frequency). This variant has not been reported in the literature in individuals with MYF6-related conditions. Nucleotide substitutions within the consensus splice site are a relatively common cause of aberrant splicing (PMID: 17576681, 9536098). Algorithms developed to predict the effect of sequence changes on RNA splicing suggest that this variant is not likely to affect RNA splicing, but this prediction has not been confirmed by published transcriptional studies. In summary, the available evidence is currently insufficient to determine the role of this variant in disease. Therefore, it has been classified as a Variant of Uncertain Significance. This sequence change falls in intron 1 of the MYF6 gene. It does not directly change the encoded amino acid sequence of the MYF6 protein, but it affects a nucleotide within the consensus splice site of the intron.

Literature cited by the submitters: PubMed 17576681; PubMed 9536098.

NM_002469.3(MYF6):c.520-3C>T

Gene: MYF6 (myogenic factor 6; plus strand). Cytogenetic location: 12q21.31.
Variant type: single nucleotide variant.
Coding change: c.520-3C>T on transcript NM_002469.3 (MANE Select); 3 bases into the intron before coding-DNA position 520, C replaced by T.
Molecular consequence: intron variant.
Genome position (GRCh38, 1-based): chr12:80,708,521, C>T. VCF-style: chr12-80708521-C-T. GRCh37 (hg19) VCF-style: chr12-81102300-C-T.
Identifiers: ClinVar variation 1060278 (VCV001060278.10), dbSNP rs1035326012, ClinGen allele CA240237909.
Genomic context (GRCh38, chr12:80,708,521, plus strand): 5'-CCACCCCAACCCCGGAACCGATGTTTCTTTCCTAATCTGCCGCTGCCTTGGTTTTCCCTC[C>T]AGCTTGAGGGTGCGGATTTCCTGCGCACCTGCAGCTCCCAGTGGCCAAGTGTTTCCGATC-3'